The following is an entry in ClinVar:

ClinVar aggregate classification (germline): Benign/Likely benign. Review status: criteria provided, multiple submitters, no conflicts (2 of 4 stars). 2 submissions from 2 submitters: Benign (1); Likely benign (1). Last evaluated 2025-07-01.

Allele frequency attached by ClinVar (database versions not stated): 1000 Genomes Project 0.00120; 1000 Genomes Project 30x 0.00141; TOPMed 0.00367; gnomAD 0.00419 and 0.00438; gnomAD exomes 0.00545 and 0.00591; ExAC 0.00571; ESP Exome Variant Server 0.00571.
gnomAD v4.1: 8,689 of 1,538,406 alleles (0.56%); highest among the groups gnomAD compares: Non-Finnish European, 0.68%; 35 homozygotes.

Submissions (2):

CeGaT Center for Human Genetics Tuebingen
Classification: Likely benign. Last evaluated: 2025-07-01. Review status: criteria provided, single submitter. Criteria: CeGaT Center For Human Genetics Tuebingen Variant Classification Criteria Version 2. Collection method: clinical testing. Allele origin: germline. Affected: yes. Observed: 2 variant alleles.
Comment: EPB41L4A: BP4, BP7, BS2

Labcorp Genetics (formerly Invitae), Labcorp
Classification: Benign. Last evaluated: 2019-12-31. Review status: criteria provided, single submitter. Criteria: Invitae Variant Classification Sherloc (09022015). Collection method: clinical testing. Allele origin: germline.

NM_022140.5(EPB41L4A):c.879A>G (p.Thr293=)

Genes: EPB41L4A (erythrocyte membrane protein band 4.1 like 4A; minus strand), EPB41L4A-AS3 (EPB41L4A antisense RNA 3; plus strand). Cytogenetic location: 5q22.2.
Variant type: single nucleotide variant.
Coding change: c.879A>G on transcript NM_022140.5 (MANE Select); coding-DNA position 879, A replaced by G.
Protein change: p.Thr293=; no amino-acid change (threonine 293 retained).
Molecular consequence: synonymous variant. On other transcripts: non-coding transcript variant (1).
Genome position (GRCh38, 1-based): chr5:112,240,727, T>C on the plus strand (A>G on the coding strand, the complement: EPB41L4A is on the minus strand). VCF-style: chr5-112240727-T-C. GRCh37 (hg19) VCF-style: chr5-111576424-T-C.
Other names: c.879A>G, p.Thr293= (NM_001347887.2).
Identifiers: ClinVar variation 713857 (VCV000713857.28), dbSNP rs187777656, ClinGen allele CA3367688.